The following is an entry in ClinVar:

NM_006445.4(PRPF8):c.1741A>G (p.Ile581Val)

Gene: PRPF8 (pre-mRNA processing factor 8; minus strand). Cytogenetic location: 17p13.3.
Variant type: single nucleotide variant.
Coding change: c.1741A>G on transcript NM_006445.4 (MANE Select); coding-DNA position 1741, A replaced by G.
Protein change: p.Ile581Val; replaces isoleucine 581 with valine.
Molecular consequence: missense variant.
Genome position (GRCh38, 1-based): chr17:1,678,631, T>C on the plus strand (A>G on the coding strand, the complement: PRPF8 is on the minus strand). VCF-style: chr17-1678631-T-C. GRCh37 (hg19) VCF-style: chr17-1581925-T-C.
Other names: short protein forms I581V.
Identifiers: ClinVar variation 1993986 (VCV001993986.4), dbSNP rs771225175, ClinGen allele CA397558680.

ClinVar aggregate classification (germline): Uncertain significance (1 of 4 stars; one submission).

Allele frequency attached by ClinVar (database versions not stated): gnomAD exomes below 0.00001.
gnomAD v4.1: 3 of 1,614,230 alleles (0.00019%); highest among the groups gnomAD compares: Admixed American, 0.0017%; no homozygotes.

Submission:

Labcorp Genetics (formerly Invitae), Labcorp
Classification: Uncertain significance. Last evaluated: 2022-09-09. Review status: criteria provided, single submitter. Criteria: Invitae Variant Classification Sherloc (09022015). Collection method: clinical testing. Allele origin: germline.
Comment: This sequence change replaces isoleucine, which is neutral and non-polar, with valine, which is neutral and non-polar, at codon 581 of the PRPF8 protein (p.Ile581Val). In summary, the available evidence is currently insufficient to determine the role of this variant in disease. Therefore, it has been classified as a Variant of Uncertain Significance. Advanced modeling of protein sequence and biophysical properties (such as structural, functional, and spatial information, amino acid conservation, physicochemical variation, residue mobility, and thermodynamic stability) performed at Invitae indicates that this missense variant is not expected to disrupt PRPF8 protein function. This variant has not been reported in the literature in individuals affected with PRPF8-related conditions. This variant is present in population databases (no rsID available, gnomAD 0.003%).